The following is an entry in ClinVar:

NM_000132.4(F8):c.1555_1556dup (p.Asp519fs)

Gene: F8 (coagulation factor VIII; minus strand). Cytogenetic location: Xq28.
Variant type: Duplication.
Coding change: c.1555_1556dup on transcript NM_000132.4 (MANE Select); coding-DNA positions 1555 to 1556, 2 bases duplicated (GA; older notation c.1555_1556dupGA).
Protein change: p.Asp519fs; shifts the reading frame from aspartic acid 519.
Molecular consequence: frameshift variant.
Genome position (GRCh38, 1-based): chrX:154,957,153-154,957,154, TC duplicated on the plus strand (GA on the coding strand, the reverse complement: F8 is on the minus strand). VCF-style (leftmost placement, unchanged base first): chrX-154957152-A-ATC. GRCh37 (hg19) VCF-style: chrX-154185427-A-ATC.
Other names: short protein forms D519fs.
Identifiers: ClinVar variation 2428680 (VCV002428680.3), dbSNP rs2523942440, ClinGen allele CA2580101847.

ClinVar aggregate classification (germline): Pathogenic (1 of 4 stars; one submission).

Submission:

ARUP Laboratories, Molecular Genetics and Genomics, ARUP Laboratories
Classification: Pathogenic. Last evaluated: 2022-08-23. Review status: criteria provided, single submitter. Criteria: ARUP Molecular Germline Variant Investigation Process 2021. Collection method: clinical testing. Allele origin: germline.
Comment: The F8 c.155_1556dupGA; p.Asp519GlufsTer17 variant, to our knowledge, is not reported in the medical literature or gene specific databases. However, there is one unpublished report of a patient with severe hemophilia A from the My Life Our Future study (Konkle 2018). This variant causes a frameshift by duplicating two nucleotides, so it is predicted to result in a truncated protein or mRNA subject to nonsense-mediated decay. Additionally, several downstream truncating variants have been described in individuals with hemophilia A and are considered pathogenic (Pinto 2016). Based on available information, this variant is considered to be pathogenic. References: Konkle BA, et al. My Life Our Future, unpublished. Unpublished Data. Reported in 2018 on CHAMP mutation list.. Pinto P et al. F8 gene mutation profile in Indian hemophilia A patients: Identification of 23 novel mutations and factor VIII inhibitor risk association. Mutat Res. 2016 Apr;786:27-33. PMID: 26897466.